The following is an entry in ClinVar:

ClinVar aggregate classification (germline): Likely benign (0 of 4 stars; one submission).

Conditions:
TBCE-related disorder. Also called: TBCE-related disorders; TBCE-related condition.

Allele frequency attached by ClinVar (database versions not stated): TOPMed 0.00002; gnomAD 0.00003; 1000 Genomes Project 30x 0.00016.
gnomAD v4.1: 17 of 1,543,690 alleles (0.0011%); highest among the groups gnomAD compares: African/African-American, 0.0027%; no homozygotes.

Submission:

PreventionGenetics, part of Exact Sciences
Classification: Likely benign for TBCE-related condition. Last evaluated: 2020-11-06. Review status: no assertion criteria provided. Collection method: clinical testing. Allele origin: germline.
Comment: This variant is classified as likely benign based on ACMG/AMP sequence variant interpretation guidelines (Richards et al. 2015 PMID: 25741868, with internal and published modifications).

NM_003193.5(TBCE):c.661-1115C>T

Gene: TBCE (tubulin folding cofactor E; plus strand). Cytogenetic location: 1q42.3.
Variant type: single nucleotide variant.
Coding change: c.661-1115C>T on transcript NM_003193.5 (MANE Select); 1115 bases into the intron before coding-DNA position 661, C replaced by T.
Molecular consequence: intron variant. On other transcripts: synonymous variant (1).
Genome position (GRCh38, 1-based): chr1:235,433,089, C>T. VCF-style: chr1-235433089-C-T. GRCh37 (hg19) VCF-style: chr1-235596404-C-T.
Other names: c.804C>T, p.Asn268= (NM_001287801.2); c.661-1115C>T (NM_001079515.3); c.322-1115C>T (NM_001287802.2).
Identifiers: ClinVar variation 3036875 (VCV003036875.2), dbSNP rs374229521, ClinGen allele CA39584618.
Genomic context (GRCh38, chr1:235,433,089, plus strand): 5'-GAAATGCTCCACCAGCAACTGCATCATCAGTGCCAAGGACCACACATCCATGCGGATGAA[C>T]GTGGCCAAGGCCAGTGAGGTCACGGGCAGGTTTAACAGCCAGTTTAAAACCTGTGCTATC-3'